The following is an entry in ClinVar:

ClinVar aggregate classification (germline): Pathogenic/Likely pathogenic. Review status: criteria provided, multiple submitters, no conflicts (2 of 4 stars). 2 submissions from 2 submitters: Pathogenic (1); Likely pathogenic (1). Last evaluated 2025-09-10.

Conditions:
Holocarboxylase synthetase deficiency. Also called: MULTIPLE CARBOXYLASE DEFICIENCY, EARLY ONSET. Identifiers: Orphanet 79242, MedGen C0268581, MONDO:0009666, OMIM 253270.

Allele frequency attached by ClinVar (database versions not stated): gnomAD exomes 0.00002; TOPMed 0.00002.
gnomAD v4.1: 24 of 1,614,056 alleles (0.0015%); highest among the groups gnomAD compares: Non-Finnish European, 0.002%; no homozygotes.

Submissions (2):

Natera, Inc.
Classification: Likely pathogenic for Holocarboxylase synthetase deficiency. Last evaluated: 2025-09-10. Review status: criteria provided, single submitter. Criteria: Natera Variant Classification Schema (03/2026). Collection method: clinical testing. Allele origin: germline.
Comment: The c.604G>T variant in HLCS is a nonsense variant predicted to introduce a stop codon at amino acid 202. This variant is expected to result in nonsense mediated decay, truncation, or a dysfunctional protein product. This variant is rare in the general population with a frequency below the threshold expected for the associated phenotype(s). Given the available evidence, this variant is classified as Likely Pathogenic.

Labcorp Genetics (formerly Invitae), Labcorp
Classification: Pathogenic for Holocarboxylase synthetase deficiency. Last evaluated: 2024-07-31. Review status: criteria provided, single submitter. Criteria: Invitae Variant Classification Sherloc (09022015). Collection method: clinical testing. Allele origin: germline.
Comment: This sequence change creates a premature translational stop signal (p.Glu202*) in the HLCS gene. It is expected to result in an absent or disrupted protein product. Loss-of-function variants in HLCS are known to be pathogenic (PMID: 16134170). This variant is present in population databases (no rsID available, gnomAD 0.0009%). This variant has not been reported in the literature in individuals affected with HLCS-related conditions. ClinVar contains an entry for this variant (Variation ID: 582885). For these reasons, this variant has been classified as Pathogenic.

Literature cited by the submitters: PubMed 16134170 (cited by Labcorp Genetics (formerly Invitae), Labcorp).

NM_001352514.2(HLCS):c.1045G>T (p.Glu349Ter)

Gene: HLCS (holocarboxylase synthetase; minus strand). Cytogenetic location: 21q22.13.
Variant type: single nucleotide variant.
Coding change: c.1045G>T on transcript NM_001352514.2 (MANE Select); coding-DNA position 1045, G replaced by T.
Protein change: p.Glu349Ter; replaces glutamic acid 349 with a stop codon.
Molecular consequence: nonsense. On other transcripts: non-coding transcript variant (2).
Genome position (GRCh38, 1-based): chr21:36,936,841, C>A on the plus strand (G>T on the coding strand, the complement: HLCS is on the minus strand). VCF-style: chr21-36936841-C-A. GRCh37 (hg19) VCF-style: chr21-38309141-C-A.
Other names: c.604G>T, p.Glu202Ter (NM_000411.8, NM_001242784.3, NM_001242785.2 and 4 more transcripts); c.604G>T (NM_000411.7); short protein forms E202*, E349*.
Identifiers: ClinVar variation 582885 (VCV000582885.10), dbSNP rs148324626, ClinGen allele CA320395512.